The following is an entry in ClinVar:

NM_001563.4(IMPG1):c.2T>A (p.Met1Lys)

Gene: IMPG1 (interphotoreceptor matrix proteoglycan 1; minus strand). Cytogenetic location: 6q14.1.
Variant type: single nucleotide variant.
Coding change: c.2T>A on transcript NM_001563.4 (MANE Select); coding-DNA position 2, T replaced by A.
Protein change: p.Met1Lys; changes the start codon (methionine 1).
Molecular consequence: missense variant, initiator codon variant.
Genome position (GRCh38, 1-based): chr6:76,072,487, A>T on the plus strand (T>A on the coding strand, the complement: IMPG1 is on the minus strand). VCF-style: chr6-76072487-A-T. GRCh37 (hg19) VCF-style: chr6-76782204-A-T.
Other names: c.2T>A, p.Met1Lys (NM_001282368.2); short protein forms M1K.
Identifiers: ClinVar variation 943872 (VCV000943872.10), dbSNP rs143564856, ClinGen allele CA3898683.

ClinVar aggregate classification (germline): Uncertain significance. Review status: criteria provided, multiple submitters, no conflicts (2 of 4 stars). 3 submissions from 3 submitters: Uncertain significance (3). Last evaluated 2026-01-17.

Conditions:
IMPG1-related disorder. Also called: IMPG1-related condition.

Allele frequency attached by ClinVar (database versions not stated): gnomAD exomes 0.00002 and 0.00006; ExAC 0.00010; gnomAD 0.00033 and 0.00038; ESP Exome Variant Server 0.00038; TOPMed 0.00038; 1000 Genomes Project 30x 0.00047; 1000 Genomes Project 0.00060.

Submissions (3):

Labcorp Genetics (formerly Invitae), Labcorp
Classification: Uncertain significance. Last evaluated: 2026-01-17. Review status: criteria provided, single submitter. Criteria: Invitae Variant Classification Sherloc (09022015). Collection method: clinical testing. Allele origin: germline.
Comment: This sequence change affects the initiator codon of the IMPG1 mRNA. This change may impact translation initiation or efficiency. The next in-frame methionine is located at codon 51. This variant is present in population databases (rs143564856, gnomAD 0.07%). This variant has not been reported in the literature in individuals affected with IMPG1-related conditions. ClinVar contains an entry for this variant (Variation ID: 943872). Experimental studies and prediction algorithms are not available or were not evaluated, and the functional significance of this variant is currently unknown. In summary, the available evidence is currently insufficient to determine the role of this variant in disease. Therefore, it has been classified as a Variant of Uncertain Significance.

PreventionGenetics, part of Exact Sciences
Classification: Uncertain significance for IMPG1-related condition. Last evaluated: 2025-12-29. Review status: criteria provided, single submitter. Criteria: ACMG Guidelines, 2015. Collection method: clinical testing. Allele origin: germline.
Comment: The IMPG1 c.2T>A variant is predicted to disrupt the translation initiation site (Start loss). To our knowledge, this variant has not been previously reported in literature in association with disease. Multiple in-frame methionines (Met) occur downstream of this variant in exon 2 (p.51, p.54, p.57); if utilized, these may reinitiate translation. This variant is present in 0.091% of alleles in individuals of African descent in gnomAD. At this time, the clinical significance of this variant is uncertain due to the absence of conclusive functional and genetic evidence.

Blueprint Genetics
Classification: Uncertain significance. Last evaluated: 2022-06-22. Review status: criteria provided, single submitter. Criteria: ACMG Guidelines, 2015. Collection method: clinical testing. Allele origin: germline.